The following is an entry in ClinVar:

NM_001367624.2(ZNF469):c.9980C>G (p.Pro3327Arg)

Genes: ZNF469 (zinc finger protein 469; plus strand), LOC130059719 (ATAC-STARR-seq lymphoblastoid silent region 7848; plus strand). Cytogenetic location: 16q24.2.
Variant type: single nucleotide variant.
Coding change: c.9980C>G on transcript NM_001367624.2 (MANE Select); coding-DNA position 9980, C replaced by G.
Protein change: p.Pro3327Arg; replaces proline 3327 with arginine.
Molecular consequence: missense variant.
Genome position (GRCh38, 1-based): chr16:88,437,450, C>G. VCF-style: chr16-88437450-C-G. GRCh37 (hg19) VCF-style: chr16-88503858-C-G.
Other names: short protein forms P3327R.
Identifiers: ClinVar variation 1495144 (VCV001495144.7), dbSNP rs186421933, ClinGen allele CA397125366.

ClinVar aggregate classification (germline): Uncertain significance. Review status: criteria provided, multiple submitters, no conflicts (2 of 4 stars). 2 submissions from 2 submitters: Uncertain significance (2). Last evaluated 2025-02-24.

gnomAD v4.1: 4 of 1,527,536 alleles (0.00026%); highest among the groups gnomAD compares: Middle Eastern, 0.018%; no homozygotes.

Submissions (2):

Women's Health and Genetics/Laboratory Corporation of America, LabCorp
Classification: Uncertain significance. Last evaluated: 2025-02-24. Review status: criteria provided, single submitter. Criteria: LabCorp Variant Classification Summary - May 2015. Collection method: clinical testing. Allele origin: germline.
Comment: Variant summary: ZNF469 c.9980C>G (p.Pro3327Arg) results in a non-conservative amino acid change in the encoded protein sequence. Two of four in-silico tools predict a benign effect of the variant on protein function. The variant allele was found at a frequency of 7.7e-06 in 129056 control chromosomes (gnomAD). The available data on variant occurrences in the general population are insufficient to allow any conclusion about variant significance. To our knowledge, no occurrence of c.9980C>G in individuals affected with Brittle cornea syndrome 1 and no experimental evidence demonstrating its impact on protein function have been reported. ClinVar contains an entry for this variant (Variation ID: 1495144). Based on the evidence outlined above, the variant was classified as uncertain significance.

Labcorp Genetics (formerly Invitae), Labcorp
Classification: Uncertain significance. Last evaluated: 2021-11-17. Review status: criteria provided, single submitter. Criteria: Invitae Variant Classification Sherloc (09022015). Collection method: clinical testing. Allele origin: germline.
Comment: This sequence change replaces proline, which is neutral and non-polar, with arginine, which is basic and polar, at codon 3299 of the ZNF469 protein (p.Pro3299Arg). This variant is present in population databases (no rsID available, gnomAD 0.002%). This variant has not been reported in the literature in individuals affected with ZNF469-related conditions. Algorithms developed to predict the effect of missense changes on protein structure and function are either unavailable or do not agree on the potential impact of this missense change (SIFT: "Deleterious"; PolyPhen-2: "Possibly Damaging"; Align-GVGD: "Class C0"). In summary, the available evidence is currently insufficient to determine the role of this variant in disease. Therefore, it has been classified as a Variant of Uncertain Significance.